The following is an entry in ClinVar:

NM_006351.4(TIMM44):c.203A>G (p.Lys68Arg)

Gene: TIMM44 (translocase of inner mitochondrial membrane 44; minus strand). Cytogenetic location: 19p13.2.
Variant type: single nucleotide variant.
Coding change: c.203A>G on transcript NM_006351.4 (MANE Select); coding-DNA position 203, A replaced by G.
Protein change: p.Lys68Arg; replaces lysine 68 with arginine.
Molecular consequence: missense variant.
Genome position (GRCh38, 1-based): chr19:7,938,136, T>C on the plus strand (A>G on the coding strand, the complement: TIMM44 is on the minus strand). VCF-style: chr19-7938136-T-C. GRCh37 (hg19) VCF-style: chr19-8003021-T-C.
Other names: p.K68R:AAA>AGA; short protein forms K68R.
Identifiers: ClinVar variation 137655 (VCV000137655.6), dbSNP rs117812409, ClinGen allele CA291307.

ClinVar aggregate classification (germline): Benign. Review status: criteria provided, multiple submitters, no conflicts (2 of 4 stars). 3 submissions from 3 submitters: Benign (2). 1 of the submissions does not count toward it. Last evaluated 2014-04-02.

Allele frequency attached by ClinVar (database versions not stated): 1000 Genomes Project 30x 0.00390; ESP Exome Variant Server 0.00723; gnomAD exomes 0.00753; gnomAD 0.00687 and 0.00707; 1000 Genomes Project 0.00399; ExAC 0.00774; TOPMed 0.00635.
gnomAD v4.1: 15,767 of 1,614,048 alleles (0.98%); highest among the groups gnomAD compares: Non-Finnish European, 1.2%; 97 homozygotes.

Submissions (3):

GeneDx
Classification: Benign. Last evaluated: 2014-04-02. Review status: criteria provided, single submitter. Criteria: GeneDx Variant Classification (06012015). Collection method: clinical testing. Allele origin: germline. Affected: yes.
Comment: This variant is considered likely benign or benign based on one or more of the following criteria: it is a conservative change, it occurs at a poorly conserved position in the protein, it is predicted to be benign by multiple in silico algorithms, and/or has population frequency not consistent with disease.

Breakthrough Genomics
Classification: Benign. Review status: criteria provided, single submitter. Criteria: ACMG Guidelines, 2015. Collection method: not provided. Allele origin: germline. Inheritance: Unknown mechanism. Affected: yes.

Mayo Clinic Laboratories, Mayo Clinic
Classification: Benign. Last evaluated: 2017-06-30. Review status: no assertion criteria provided. Collection method: clinical testing. Allele origin: unknown. Not counted in ClinVar's aggregate classification.